The following is an entry in ClinVar:

NM_000290.4(PGAM2):c.288A>G (p.Thr96=)

Genes: DBNL (drebrin like; plus strand), PGAM2 (phosphoglycerate mutase 2; minus strand). Cytogenetic location: 7p13.
Variant type: single nucleotide variant.
Coding change: c.288A>G on transcript NM_000290.4 (MANE Select); coding-DNA position 288, A replaced by G.
Protein change: p.Thr96=; no amino-acid change (threonine 96 retained).
Molecular consequence: synonymous variant. On other transcripts: 3 prime UTR variant (6).
Genome position (GRCh38, 1-based): chr7:44,065,242, T>C on the plus strand (A>G on the coding strand, the complement: PGAM2 is on the minus strand). VCF-style: chr7-44065242-T-C. GRCh37 (hg19) VCF-style: chr7-44104841-T-C.
Other names: p.Thr96=; c.*4326T>C (NM_001014436.3, NM_001122956.2, NM_001284313.2 and 3 more transcripts).
Identifiers: ClinVar variation 387470 (VCV000387470.15), dbSNP rs139561812, ClinGen allele CA4236629.
Genomic context (GRCh38, chr7:44,065,242, plus strand): 5'-CCTCCAGATCTTCACCTGCTCCTCCCCGTGCTTGGCGGCCGTTTCTGCCTTGTTGAGGCC[T>C]GTGAGGCCCCCGTAATGCCGCTCATTGAGGCGCCAAGTGCGCACCACAGGCAGCCACATC-3'
Protein context (NP_000281.2, residues 86-106): RLNERHYGGL[Thr96=]GLNKAETAAK

ClinVar aggregate classification (germline): Conflicting classifications of pathogenicity. Review status: criteria provided, conflicting classifications (1 of 4 stars). 5 submissions from 5 submitters: Uncertain significance (1); Likely benign (4). Last evaluated 2026-02-01.

Conditions:
PGAM2-related disorder. Also called: PGAM2-related condition.
Glycogen storage disease type X (GSD10). Also called: MYOPATHY DUE TO PHOSPHOGLYCERATE MUTASE DEFICIENCY; PGAMM DEFICIENCY; PHOSPHOGLYCERATE MUTASE, MUSCLE, DEFICIENCY OF; Dimauro disease; GSD X; Glycogen storage disease due to phosphoglycerate mutase deficiency. Identifiers: Orphanet 97234, MedGen C0268149, MONDO:0009865, OMIM 261670.

Allele frequency attached by ClinVar (database versions not stated): gnomAD exomes 0.00019 and 0.00055; ExAC 0.00021; gnomAD 0.00021 and 0.00023; TOPMed 0.00028; ESP Exome Variant Server 0.00046.
gnomAD v4.1: 819 of 1,613,794 alleles (0.051%); highest among the groups gnomAD compares: Non-Finnish European, 0.066%; no homozygotes.

Submissions (5):

Labcorp Genetics (formerly Invitae), Labcorp
Classification: Likely benign for Glycogen storage disease type X. Last evaluated: 2026-02-01. Review status: criteria provided, single submitter. Criteria: Invitae Variant Classification Sherloc (09022015). Collection method: clinical testing. Allele origin: germline.

Mayo Clinic Laboratories, Mayo Clinic
Classification: Likely benign. Last evaluated: 2025-04-15. Review status: criteria provided, single submitter. Criteria: ACMG Guidelines, 2015. Collection method: clinical testing. Allele origin: germline. Observed: 1 variant allele.
Comment: BP4, BP7

PreventionGenetics, part of Exact Sciences
Classification: Likely benign for PGAM2-related condition. Last evaluated: 2025-04-14. Review status: criteria provided, single submitter. Criteria: ACMG Guidelines, 2015. Collection method: clinical testing. Allele origin: germline.
Comment: This variant is classified as likely benign based on ACMG/AMP sequence variant interpretation guidelines (Richards et al. 2015 PMID: 25741868, with internal and published modifications).

GeneDx
Classification: Likely benign. Last evaluated: 2021-04-28. Review status: criteria provided, single submitter. Criteria: GeneDx Variant Classification Process June 2021. Collection method: clinical testing. Allele origin: germline. Affected: yes.

Illumina Laboratory Services, Illumina
Classification: Uncertain significance for Glycogen storage disease type X. Last evaluated: 2018-01-13. Review status: criteria provided, single submitter. Criteria: ICSL Variant Classification Criteria 13 December 2019. Collection method: clinical testing. Allele origin: germline.